The following is an entry in ClinVar:

NM_032520.5(GNPTG):c.609G>A (p.Gln203=)

Gene: GNPTG (N-acetylglucosamine-1-phosphate transferase subunit gamma; plus strand). Cytogenetic location: 16p13.3.
Variant type: single nucleotide variant.
Coding change: c.609G>A on transcript NM_032520.5 (MANE Select); coding-DNA position 609, G replaced by A.
Protein change: p.Gln203=; no amino-acid change (glutamine 203 retained).
Molecular consequence: synonymous variant.
Genome position (GRCh38, 1-based): chr16:1,362,534, G>A. VCF-style: chr16-1362534-G-A. GRCh37 (hg19) VCF-style: chr16-1412535-G-A.
Other names: p.Gln203=.
Identifiers: ClinVar variation 2159580 (VCV002159580.3), dbSNP rs756694104, ClinGen allele CA7807825.
Genomic context (GRCh38, chr16:1,362,534, plus strand): 5'-CCTGCAGCGGCAGTGGGACCAGGTAGAGCAGGACCTGGCCGATGAGCTGATCACCCCCCA[G>A]GTAAGCGTGCGCTCGGGGTGGCCCCTGGTGGGCCTGGCTGGGAGCTGGGTGCTGCCCCTG-3'
Protein context (NP_115909.1, residues 193-213): QDLADELITP[Gln203=]GHEKLLRTLF

ClinVar aggregate classification (germline): Uncertain significance. Review status: criteria provided, multiple submitters, no conflicts (2 of 4 stars). 2 submissions from 2 submitters: Uncertain significance (2). Last evaluated 2024-07-02.

Allele frequency attached by ClinVar (database versions not stated): ExAC 0.00002.
gnomAD v4.1: 43 of 1,614,060 alleles (0.0027%); highest among the groups gnomAD compares: Non-Finnish European, 0.0035%; no homozygotes.

Submissions (3):

Mayo Clinic Laboratories, Mayo Clinic
Classification: Uncertain significance. Last evaluated: 2024-07-02. Review status: criteria provided, single submitter. Criteria: ACMG Guidelines, 2015. Collection method: clinical testing. Allele origin: germline. Observed: 1 variant allele.

Labcorp Genetics (formerly Invitae), Labcorp
Classification: Uncertain significance. Last evaluated: 2022-07-05. Review status: criteria provided, single submitter. Criteria: Invitae Variant Classification Sherloc (09022015). Collection method: clinical testing. Allele origin: germline.
Comment: This sequence change affects codon 203 of the GNPTG mRNA. It is a 'silent' change, meaning that it does not change the encoded amino acid sequence of the GNPTG protein. This variant also falls at the last nucleotide of exon 8, which is part of the consensus splice site for this exon. This variant is present in population databases (rs756694104, gnomAD 0.004%). This variant has not been reported in the literature in individuals affected with GNPTG-related conditions. Variants that disrupt the consensus splice site are a relatively common cause of aberrant splicing (PMID: 17576681, 9536098). Algorithms developed to predict the effect of sequence changes on RNA splicing suggest that this variant is not likely to affect RNA splicing. In summary, the available evidence is currently insufficient to determine the role of this variant in disease. Therefore, it has been classified as a Variant of Uncertain Significance.

Dr. Peter K. Rogan Lab, Western University
No classification provided (evidence only). Condition: Thyroid cancer, nonmedullary, 1. Review status: no classification provided. Collection method: in vitro. Allele origin: not applicable. Functional consequence: skipped exon, retained intron. Not counted in ClinVar's aggregate classification.

Literature cited by the submitters: PubMed 17576681 (cited by Labcorp Genetics (formerly Invitae), Labcorp); PubMed 9536098 (cited by Labcorp Genetics (formerly Invitae), Labcorp).